The following is an entry in ClinVar:

ClinVar aggregate classification (germline): Uncertain significance (1 of 4 stars; one submission).

gnomAD v4.1: 1 of 1,613,948 alleles (0.000062%); highest among the groups gnomAD compares: Non-Finnish European, 0.000085%; no homozygotes.

Submission:

Women's Health and Genetics/Laboratory Corporation of America, LabCorp
Classification: Uncertain significance. Last evaluated: 2022-04-25. Review status: criteria provided, single submitter. Criteria: LabCorp Variant Classification Summary - May 2015. Collection method: clinical testing. Allele origin: germline.
Comment: Variant summary: LDLRAP1 c.733A>G (p.Ser245Gly) results in a non-conservative amino acid change in the encoded protein sequence. Four of five in-silico tools predict a benign effect of the variant on protein function. The variant was absent in 250508 control chromosomes. The available data on variant occurrences in the general population are insufficient to allow any conclusion about variant significance. To our knowledge, no occurrence of c.733A>G in individuals affected with Familial Hypercholesterolemia and no experimental evidence demonstrating its impact on protein function have been reported. No clinical diagnostic laboratories have submitted clinical-significance assessments for this variant to ClinVar after 2014. Based on the evidence outlined above, the variant was classified as uncertain significance.

NM_015627.3(LDLRAP1):c.733A>G (p.Ser245Gly)

Gene: LDLRAP1 (low density lipoprotein receptor adaptor protein 1; plus strand). Cytogenetic location: 1p36.11.
Variant type: single nucleotide variant.
Coding change: c.733A>G on transcript NM_015627.3 (MANE Select); coding-DNA position 733, A replaced by G.
Protein change: p.Ser245Gly; replaces serine 245 with glycine.
Molecular consequence: missense variant.
Genome position (GRCh38, 1-based): chr1:25,563,777, A>G. VCF-style: chr1-25563777-A-G. GRCh37 (hg19) VCF-style: chr1-25890268-A-G.
Other names: short protein forms S245G.
Identifiers: ClinVar variation 1683351 (VCV001683351.1), dbSNP rs2044408614, ClinGen allele CA339074684.